The following is an entry in ClinVar:

ClinVar aggregate classification (germline): Conflicting classifications of pathogenicity. Review status: criteria provided, conflicting classifications (1 of 4 stars). 6 submissions from 6 submitters: Uncertain significance (4); Benign (1); Likely benign (1). Last evaluated 2026-04-16.

Conditions:
Familial thoracic aortic aneurysm and aortic dissection (TAAD). Also called: Thoracic aortic aneurysms and dissections. Identifiers: Orphanet 91387, MedGen C4707243, MONDO:0019625.
Ehlers-Danlos syndrome, classic type, 1 (EDSCL1). Also called: Ehlers-Danlos syndrome, type 1; Ehlers-Danlos Syndrome, Classic Type, COL5A1-Related; EHLERS-DANLOS SYNDROME, GRAVIS TYPE; EHLERS-DANLOS SYNDROME, SEVERE CLASSIC TYPE; EDS I. Identifiers: MedGen C0268335, MONDO:0019567, OMIM 130000.

Allele frequency attached by ClinVar (database versions not stated): gnomAD 0.00001; TOPMed 0.00002; gnomAD exomes 0.00008 and 0.00004; ExAC 0.00004; ESP Exome Variant Server 0.00008.
gnomAD v4.1: 114 of 1,613,906 alleles (0.0071%); highest among the groups gnomAD compares: Non-Finnish European, 0.0092%; no homozygotes.

Submissions (6):

Ambry Genetics
Classification: Uncertain significance for Familial thoracic aortic aneurysm and aortic dissection. Last evaluated: 2026-04-16. Review status: criteria provided, single submitter. Criteria: Ambry Variant Classification Scheme 2023. Collection method: clinical testing. Allele origin: germline.
Comment: The c.5125C>T (p.R1709C) alteration is located in exon 64 (coding exon 64) of the COL5A1 gene. This alteration results from a C to T substitution at nucleotide position 5125, causing the arginine (R) at amino acid position 1709 to be replaced by a cysteine (C). Based on data from gnomAD, the T allele has an overall frequency of 0.004% (9/251056) total alleles studied. The highest observed frequency was 0.016% (1/6134) of Other alleles. Based on insufficient or conflicting evidence, the clinical significance of this alteration remains unclear.

Labcorp Genetics (formerly Invitae), Labcorp
Classification: Benign for Ehlers-Danlos syndrome, classic type, 1. Last evaluated: 2025-12-16. Review status: criteria provided, single submitter. Criteria: Invitae Variant Classification Sherloc (09022015). Collection method: clinical testing. Allele origin: germline.

ARUP Laboratories, Molecular Genetics and Genomics, ARUP Laboratories
Classification: Uncertain significance. Last evaluated: 2024-09-05. Review status: criteria provided, single submitter. Criteria: ARUP Molecular Germline Variant Investigation Process 2024. Collection method: clinical testing. Allele origin: germline.
Comment: The COL5A1 c.5125C>T; p.Arg1709Cys variant (rs375586129), to our knowledge, is not reported in the medical literature but is reported in ClinVar (Variation ID: 1329717). This variant is found in the general population with an overall allele frequency of 0.004% (9/251,056 alleles) in the Genome Aggregation Database (v2.1.1). Computational analyses predict that this variant is deleterious (REVEL: 0.736). Due to limited information, the clinical significance of this variant is uncertain at this time.

GeneDx
Classification: Uncertain significance. Last evaluated: 2024-04-03. Review status: criteria provided, single submitter. Criteria: GeneDx Variant Classification Process June 2021. Collection method: clinical testing. Allele origin: germline. Affected: yes.
Comment: Has not been previously published as pathogenic or benign to our knowledge; In silico analysis supports that this missense variant has a deleterious effect on protein structure/function; Not located in the triple helical region, where the majority of pathogenic missense variants occur (HGMD; PMID: 22696272); This variant is associated with the following publications: (PMID: 22696272)

CeGaT Center for Human Genetics Tuebingen
Classification: Uncertain significance. Last evaluated: 2024-02-01. Review status: criteria provided, single submitter. Criteria: CeGaT Center For Human Genetics Tuebingen Variant Classification Criteria Version 2. Collection method: clinical testing. Allele origin: germline. Affected: yes. Observed: 1 variant allele.
Comment: COL5A1: PP3

Blueprint Genetics
Classification: Likely benign. Last evaluated: 2021-09-15. Review status: criteria provided, single submitter. Criteria: ACMG Guidelines, 2015. Collection method: clinical testing. Allele origin: germline.

NM_000093.5(COL5A1):c.5125C>T (p.Arg1709Cys)

Genes: COL5A1 (collagen type V alpha 1 chain; plus strand), LOC101448202 (uncharacterized LOC101448202; minus strand). Cytogenetic location: 9q34.3.
Variant type: single nucleotide variant.
Coding change: c.5125C>T on transcript NM_000093.5 (MANE Select); coding-DNA position 5125, C replaced by T.
Protein change: p.Arg1709Cys; replaces arginine 1709 with cysteine.
Molecular consequence: missense variant. On other transcripts: intron variant (1).
Genome position (GRCh38, 1-based): chr9:134,830,033, C>T. VCF-style: chr9-134830033-C-T. GRCh37 (hg19) VCF-style: chr9-137721879-C-T.
Other names: c.5068-75C>T (NM_001278074.1); short protein forms R1709C.
Identifiers: ClinVar variation 1329717 (VCV001329717.31), dbSNP rs375586129, ClinGen allele CA5320586.
Genomic context (GRCh38, chr9:134,830,033, plus strand): 5'-TAGGCCAGAATCACTTCTTGGCCCAAAGAAAACCCGGGCTCCTGGTTCAGTGAATTCAAG[C>T]GTGGGAAACTGGTAAGGTGGCCTCTGGCGTCTTTGCGGTTGTCACTTTAAACCCGCCCAT-3'
Protein context (NP_000084.3, residues 1699-1719): NPGSWFSEFK[Arg1709Cys]GKLLSYVDAE